The following is an entry in ClinVar:

NM_001961.4(EEF2):c.802C>T (p.Pro268Ser)

Gene: EEF2 (eukaryotic translation elongation factor 2; minus strand). Cytogenetic location: 19p13.3.
Variant type: single nucleotide variant.
Coding change: c.802C>T on transcript NM_001961.4 (MANE Select); coding-DNA position 802, C replaced by T.
Protein change: p.Pro268Ser; replaces proline 268 with serine.
Molecular consequence: missense variant.
Genome position (GRCh38, 1-based): chr19:3,982,042, G>A on the plus strand (C>T on the coding strand, the complement: EEF2 is on the minus strand). VCF-style: chr19-3982042-G-A. GRCh37 (hg19) VCF-style: chr19-3982040-G-A.
Other names: short protein forms P268S.
Identifiers: ClinVar variation 3899794 (VCV003899794.1).

ClinVar aggregate classification (germline): Uncertain significance (1 of 4 stars; one submission).

gnomAD v4.1: 2 of 1,614,008 alleles (0.00012%); highest among the groups gnomAD compares: East Asian, 0.0022%; no homozygotes.

Submission:

GeneDx
Classification: Uncertain significance. Last evaluated: 2024-11-15. Review status: criteria provided, single submitter. Criteria: GeneDx Variant Classification Process June 2021. Collection method: clinical testing. Allele origin: germline. Affected: yes.
Comment: Not observed at significant frequency in large population cohorts (gnomAD); In silico analysis supports that this missense variant has a deleterious effect on protein structure/function; Has not been previously published as pathogenic or benign to our knowledge